The following is an entry in ClinVar:

NM_000395.3(CSF2RB):c.1841A>C (p.Glu614Ala)

Gene: CSF2RB (colony stimulating factor 2 receptor subunit beta; plus strand). Cytogenetic location: 22q12.3.
Variant type: single nucleotide variant.
Coding change: c.1841A>C on transcript NM_000395.3 (MANE Select); coding-DNA position 1841, A replaced by C.
Protein change: p.Glu614Ala; replaces glutamic acid 614 with alanine.
Molecular consequence: missense variant.
Genome position (GRCh38, 1-based): chr22:36,937,649, A>C. VCF-style: chr22-36937649-A-C. GRCh37 (hg19) VCF-style: chr22-37333691-A-C.
Other names: short protein forms E614A.
Identifiers: ClinVar variation 1461243 (VCV001461243.6), dbSNP rs2145825851, ClinGen allele CA411410297.

ClinVar aggregate classification (germline): Uncertain significance (1 of 4 stars; one submission).

Submission:

Labcorp Genetics (formerly Invitae), Labcorp
Classification: Uncertain significance. Last evaluated: 2021-08-09. Review status: criteria provided, single submitter. Criteria: Invitae Variant Classification Sherloc (09022015). Collection method: clinical testing. Allele origin: germline.
Comment: In summary, the available evidence is currently insufficient to determine the role of this variant in disease. Therefore, it has been classified as a Variant of Uncertain Significance. Algorithms developed to predict the effect of missense changes on protein structure and function output the following: SIFT: "Tolerated"; PolyPhen-2: "Benign"; Align-GVGD: "Class C0". The alanine amino acid residue is found in multiple mammalian species, which suggests that this missense change does not adversely affect protein function. This variant has not been reported in the literature in individuals affected with CSF2RB-related conditions. This variant is not present in population databases (ExAC no frequency). This sequence change replaces glutamic acid with alanine at codon 614 of the CSF2RB protein (p.Glu614Ala). The glutamic acid residue is weakly conserved and there is a moderate physicochemical difference between glutamic acid and alanine.